The following is an entry in ClinVar:

NM_021098.3(CACNA1H):c.3155-4G>A

Gene: CACNA1H (calcium voltage-gated channel subunit alpha1 H; plus strand). Cytogenetic location: 16p13.3.
Variant type: single nucleotide variant.
Coding change: c.3155-4G>A on transcript NM_021098.3 (MANE Select); 4 bases into the intron before coding-DNA position 3155, G replaced by A.
Molecular consequence: intron variant.
Genome position (GRCh38, 1-based): chr16:1,208,009, G>A. VCF-style: chr16-1208009-G-A. GRCh37 (hg19) VCF-style: chr16-1258009-G-A.
Other names: c.3155-4G>A (NM_001005407.2).
Identifiers: ClinVar variation 460079 (VCV000460079.17), dbSNP rs543267343, ClinGen allele CA7800668.

ClinVar aggregate classification (germline): Likely benign. Review status: criteria provided, multiple submitters, no conflicts (2 of 4 stars). 5 submissions from 5 submitters: Likely benign (4). 1 of the submissions does not count toward it. Last evaluated 2025-12-18.

Conditions:
CACNA1H-related disorder.
Hyperaldosteronism, familial, type IV (HALD4). Also called: FH IV; ALDOSTERONISM, PRIMARY, AND HYPERTENSION. Identifiers: Orphanet 642671, MedGen C4310756, MONDO:0014875, OMIM 617027.
Epilepsy, childhood absence, susceptibility to, 6. Identifiers: Orphanet 64280, MedGen C2749872, MONDO:0012763, OMIM 611942.
Idiopathic generalized epilepsy. Also called: Generalised epilepsy; EIG. Identifiers: MedGen C0270850, MONDO:0005579, OMIM 600669.

Allele frequency attached by ClinVar (database versions not stated): gnomAD 0.00005; gnomAD exomes 0.00006; 1000 Genomes Project 30x 0.00031; 1000 Genomes Project 0.00060.
gnomAD v4.1: 104 of 1,598,972 alleles (0.0065%); highest among the groups gnomAD compares: Middle Eastern, 0.034%; no homozygotes.

Submissions (5):

Labcorp Genetics (formerly Invitae), Labcorp
Classification: Likely benign for Idiopathic generalized epilepsy; Hyperaldosteronism, familial, type IV. Last evaluated: 2025-12-18. Review status: criteria provided, single submitter. Criteria: Invitae Variant Classification Sherloc (09022015). Collection method: clinical testing. Allele origin: germline.

Blueprint Genetics
Classification: Likely benign. Last evaluated: 2024-11-18. Review status: criteria provided, single submitter. Criteria: ACMG Guidelines, 2015. Collection method: clinical testing. Allele origin: germline.

Fulgent Genetics
Classification: Likely benign for Epilepsy, childhood absence, susceptibility to, 6; Hyperaldosteronism, familial, type IV. Last evaluated: 2022-03-03. Review status: criteria provided, single submitter. Criteria: ACMG Guidelines, 2015. Collection method: clinical testing. Allele origin: unknown.

Breakthrough Genomics
Classification: Likely benign. Review status: criteria provided, single submitter. Criteria: ACMG Guidelines, 2015. Collection method: not provided. Allele origin: germline. Inheritance: Autosomal dominant inheritance. Affected: yes.

PreventionGenetics, part of Exact Sciences
Classification: Likely benign for CACNA1H-related condition. Last evaluated: 2019-06-26. Review status: no assertion criteria provided. Collection method: clinical testing. Allele origin: germline. Not counted in ClinVar's aggregate classification.
Comment: This variant is classified as likely benign based on ACMG/AMP sequence variant interpretation guidelines (Richards et al. 2015 PMID: 25741868, with internal and published modifications).